The following is an entry in ClinVar:

ClinVar aggregate classification (germline): Uncertain significance. Review status: criteria provided, multiple submitters, no conflicts (2 of 4 stars). 2 submissions from 2 submitters: Uncertain significance (2). Last evaluated 2025-12-14.

Allele frequency attached by ClinVar (database versions not stated): gnomAD exomes below 0.00001; TOPMed 0.00001; ESP Exome Variant Server 0.00008.

Submissions (2):

Labcorp Genetics (formerly Invitae), Labcorp
Classification: Uncertain significance. Last evaluated: 2025-12-14. Review status: criteria provided, single submitter. Criteria: Invitae Variant Classification Sherloc (09022015). Collection method: clinical testing. Allele origin: germline.
Comment: This sequence change replaces proline, which is neutral and non-polar, with threonine, which is neutral and polar, at codon 187 of the MYLK3 protein (p.Pro187Thr). This variant is not present in population databases (gnomAD no frequency). This variant has not been reported in the literature in individuals affected with MYLK3-related conditions. ClinVar contains an entry for this variant (Variation ID: 1352628). An algorithm developed to predict the effect of missense changes on protein structure and function (PolyPhen-2) suggests that this variant is likely to be tolerated. In summary, the available evidence is currently insufficient to determine the role of this variant in disease. Therefore, it has been classified as a Variant of Uncertain Significance.

Ambry Genetics
Classification: Uncertain significance. Last evaluated: 2025-03-27. Review status: criteria provided, single submitter. Criteria: Ambry Variant Classification Scheme 2023. Collection method: clinical testing. Allele origin: germline.

NM_182493.3(MYLK3):c.559C>A (p.Pro187Thr)

Gene: MYLK3 (myosin light chain kinase 3; minus strand). Cytogenetic location: 16q11.2.
Variant type: single nucleotide variant.
Coding change: c.559C>A on transcript NM_182493.3 (MANE Select); coding-DNA position 559, C replaced by A.
Protein change: p.Pro187Thr; replaces proline 187 with threonine.
Molecular consequence: missense variant. On other transcripts: 5 prime UTR variant (1).
Genome position (GRCh38, 1-based): chr16:46,740,066, G>T on the plus strand (C>A on the coding strand, the complement: MYLK3 is on the minus strand). VCF-style: chr16-46740066-G-T. GRCh37 (hg19) VCF-style: chr16-46773978-G-T.
Other names: c.-32C>A (NM_001308301.1); c.559C>A (NM_182493.2); short protein forms P187T.
Identifiers: ClinVar variation 1352628 (VCV001352628.9), dbSNP rs142022190, ClinGen allele CA280237353.
Genomic context (GRCh38, chr16:46,740,066, plus strand): 5'-TGAAGCTGTTGTGTCTGCAATGTTAGATAAAGCAAATGGGGTCCCACTCACCTTCCCCAG[G>T]CTCCCTGGCATCAGACTGCACCCCACTGGTGCTCAGCACATGCTTTGGTTTTCCTCCCTC-3'
Protein context (NP_872299.2, residues 177-197): TSGVQSDARE[Pro187Thr]GEESQKADVL